The following is an entry in ClinVar:

NM_001017420.3(ESCO2):c.716A>G (p.Glu239Gly)

Gene: ESCO2 (establishment of sister chromatid cohesion N-acetyltransferase 2; plus strand). Cytogenetic location: 8p21.1.
Variant type: single nucleotide variant.
Coding change: c.716A>G on transcript NM_001017420.3 (MANE Select); coding-DNA position 716, A replaced by G.
Protein change: p.Glu239Gly; replaces glutamic acid 239 with glycine.
Molecular consequence: missense variant.
Genome position (GRCh38, 1-based): chr8:27,777,024, A>G. VCF-style: chr8-27777024-A-G. GRCh37 (hg19) VCF-style: chr8-27634541-A-G.
Other names: short protein forms E239G.
Identifiers: ClinVar variation 1427547 (VCV001427547.8), dbSNP rs2128951271, ClinGen allele CA370819325.

ClinVar aggregate classification (germline): Uncertain significance (1 of 4 stars; one submission).

Submission:

Labcorp Genetics (formerly Invitae), Labcorp
Classification: Uncertain significance. Last evaluated: 2021-06-08. Review status: criteria provided, single submitter. Criteria: Invitae Variant Classification Sherloc (09022015). Collection method: clinical testing. Allele origin: germline.
Comment: Algorithms developed to predict the effect of missense changes on protein structure and function (SIFT, PolyPhen-2, Align-GVGD) all suggest that this variant is likely to be tolerated, but these predictions have not been confirmed by published functional studies and their clinical significance is uncertain. In summary, the available evidence is currently insufficient to determine the role of this variant in disease. Therefore, it has been classified as a Variant of Uncertain Significance. This variant has not been reported in the literature in individuals with ESCO2-related conditions. This sequence change replaces glutamic acid with glycine at codon 239 of the ESCO2 protein (p.Glu239Gly). The glutamic acid residue is weakly conserved and there is a moderate physicochemical difference between glutamic acid and glycine. This variant is not present in population databases (ExAC no frequency).